The following is an entry in ClinVar:

NM_002017.5(FLI1):c.7G>A (p.Gly3Arg)

Genes: SENCR (smooth muscle and endothelial cell enriched migration/differentiation-associated lncRNA; minus strand), FLI1 (Fli-1 proto-oncogene, ETS transcription factor; plus strand), LOC128462394 (CRISPRi-FlowFISH-validated ETS1 regulatory element GRCh37_chr11:128563455-128564187; plus strand). Cytogenetic location: 11q24.3.
Variant type: single nucleotide variant.
Coding change: c.7G>A on transcript NM_002017.5 (MANE Select); coding-DNA position 7, G replaced by A.
Protein change: p.Gly3Arg; replaces glycine 3 with arginine.
Molecular consequence: missense variant. On other transcripts: 5 prime UTR variant (2), intron variant (1).
Genome position (GRCh38, 1-based): chr11:128,694,265, G>A. VCF-style: chr11-128694265-G-A. GRCh37 (hg19) VCF-style: chr11-128564160-G-A.
Other names: c.-147G>A (NM_001167681.3); c.-363G>A (NM_001271010.2); c.-203+7564G>A (NM_001271012.2); short protein forms G3R.
Identifiers: ClinVar variation 3702242 (VCV003702242.2).
Genomic context (GRCh38, chr11:128,694,265, plus strand): 5'-TGTAACCGGGTCAATGTGTGGAATATTGGGGGGCTCGGCTGCAGACTTGGCCAAATGGAC[G>A]GGACTATTAAGGTAAGCGGCGGGGCAACGGACGCGGGCGGCGGGGACCGGCCGGGGAGGC-3'
Protein context (NP_002008.2, residues 1-13): MD[Gly3Arg]TIKEALSVVS

ClinVar aggregate classification (germline): Uncertain significance (1 of 4 stars; one submission).

Submission:

Labcorp Genetics (formerly Invitae), Labcorp
Classification: Uncertain significance. Last evaluated: 2025-07-03. Review status: criteria provided, single submitter. Criteria: Invitae Variant Classification Sherloc (09022015). Collection method: clinical testing. Allele origin: germline.
Comment: This sequence change replaces glycine, which is neutral and non-polar, with arginine, which is basic and polar, at codon 3 of the FLI1 protein (p.Gly3Arg). This variant is not present in population databases (gnomAD no frequency). This variant has not been reported in the literature in individuals affected with FLI1-related conditions. ClinVar contains an entry for this variant (Variation ID: 3702242). An algorithm developed to predict the effect of missense changes on protein structure and function (PolyPhen-2) suggests that this variant is likely to be tolerated. In summary, the available evidence is currently insufficient to determine the role of this variant in disease. Therefore, it has been classified as a Variant of Uncertain Significance.